The following is an entry in ClinVar:

ClinVar aggregate classification (germline): Uncertain significance (1 of 4 stars; one submission).

Submission:

Labcorp Genetics (formerly Invitae), Labcorp
Classification: Uncertain significance. Last evaluated: 2024-08-22. Review status: criteria provided, single submitter. Criteria: Invitae Variant Classification Sherloc (09022015). Collection method: clinical testing. Allele origin: germline.
Comment: This sequence change replaces glutamine, which is neutral and polar, with arginine, which is basic and polar, at codon 584 of the WFS1 protein (p.Gln584Arg). This variant is not present in population databases (gnomAD no frequency). This variant has not been reported in the literature in individuals affected with WFS1-related conditions. Invitae Evidence Modeling of protein sequence and biophysical properties (such as structural, functional, and spatial information, amino acid conservation, physicochemical variation, residue mobility, and thermodynamic stability) indicates that this missense variant is not expected to disrupt WFS1 protein function with a negative predictive value of 95%. In summary, the available evidence is currently insufficient to determine the role of this variant in disease. Therefore, it has been classified as a Variant of Uncertain Significance.

NM_006005.3(WFS1):c.1751A>G (p.Gln584Arg)

Gene: WFS1 (wolframin ER transmembrane glycoprotein; plus strand). Cytogenetic location: 4p16.1.
Variant type: single nucleotide variant.
Coding change: c.1751A>G on transcript NM_006005.3 (MANE Select); coding-DNA position 1751, A replaced by G.
Protein change: p.Gln584Arg; replaces glutamine 584 with arginine.
Molecular consequence: missense variant.
Genome position (GRCh38, 1-based): chr4:6,301,546, A>G. VCF-style: chr4-6301546-A-G. GRCh37 (hg19) VCF-style: chr4-6303273-A-G.
Other names: c.1751A>G, p.Gln584Arg (NM_001145853.1); short protein forms Q584R.
Identifiers: ClinVar variation 3637010 (VCV003637010.2).